The following is an entry in ClinVar:

ClinVar aggregate classification (germline): Conflicting classifications of pathogenicity. Review status: criteria provided, conflicting classifications (1 of 4 stars). 2 submissions from 2 submitters: Uncertain significance (1); Likely benign (1). Last evaluated 2026-03-02.

Conditions:
Neuropathy, hereditary sensory and autonomic, type 2A (HSAN2A). Also called: HSAN IIA; WNK1-Related HSAN2 (HSAN2A); ACROOSTEOLYSIS, GIACCAI TYPE; ACROOSTEOLYSIS, NEUROGENIC; MORVAN DISEASE; NEUROPATHY, CONGENITAL SENSORY. Identifiers: Orphanet 970, MedGen C2752089, MONDO:0024309, OMIM 201300.
Pseudohypoaldosteronism type 2C (PHA2C). Also called: Pseudohypoaldosteronism Type IIC. Identifiers: Orphanet 757, Orphanet 88940, MedGen C1840391, MONDO:0013778, OMIM 614492.

Allele frequency attached by ClinVar (database versions not stated): TOPMed 0.00001; gnomAD 0.00002; gnomAD exomes 0.00003; ExAC 0.00010; 1000 Genomes Project 30x 0.00016; 1000 Genomes Project 0.00020.
gnomAD v4.1: 52 of 1,614,060 alleles (0.0032%); highest among the groups gnomAD compares: South Asian, 0.049%; no homozygotes.

Submissions (2):

Women's Health and Genetics/Laboratory Corporation of America, LabCorp
Classification: Uncertain significance. Last evaluated: 2026-03-02. Review status: criteria provided, single submitter. Criteria: LabCorp Variant Classification Summary - May 2015. Collection method: clinical testing. Allele origin: germline.
Comment: Variant summary: WNK1 c.4532G>A (p.Ser1511Asn) results in a conservative amino acid change in the encoded protein sequence. Algorithms developed to predict the effect of missense changes on protein structure and function all suggest that this variant is likely to be tolerated. The variant allele was found at a frequency of 0.00011 in 250972 control chromosomes. This frequency is not significantly higher than estimated for disease-causing variants in WNK1, allowing no conclusion about variant significance. To our knowledge, no occurrence of c.4532G>A in individuals affected with WNK1-related conditions and no experimental evidence demonstrating its impact on protein function have been reported. ClinVar contains an entry for this variant (Variation ID: 2927466). Based on the evidence outlined above, the variant was classified as uncertain significance.

Labcorp Genetics (formerly Invitae), Labcorp
Classification: Likely benign for Neuropathy, hereditary sensory and autonomic, type 2A; Pseudohypoaldosteronism type 2C. Last evaluated: 2025-03-10. Review status: criteria provided, single submitter. Criteria: Invitae Variant Classification Sherloc (09022015). Collection method: clinical testing. Allele origin: germline.

NM_018979.4(WNK1):c.4532G>A (p.Ser1511Asn)

Gene: WNK1 (WNK lysine deficient protein kinase 1; plus strand). Cytogenetic location: 12p13.33.
Variant type: single nucleotide variant.
Coding change: c.4532G>A on transcript NM_018979.4 (MANE Select); coding-DNA position 4532, G replaced by A.
Protein change: p.Ser1511Asn; replaces serine 1511 with asparagine.
Molecular consequence: missense variant.
Genome position (GRCh38, 1-based): chr12:885,336, G>A. VCF-style: chr12-885336-G-A. GRCh37 (hg19) VCF-style: chr12-994502-G-A.
Other names: c.5312G>A, p.Ser1771Asn (NM_001184985.2); c.3791G>A, p.Ser1264Asn (NM_014823.3); c.5288G>A, p.Ser1763Asn (NM_213655.5); short protein forms S1763N, S1511N, S1264N, S1771N.
Identifiers: ClinVar variation 2927466 (VCV002927466.4), dbSNP rs543991926, ClinGen allele CA6382989.